The following is an entry in ClinVar:

NM_021930.6(RINT1):c.1705G>T (p.Val569Leu)

Gene: RINT1 (RAD50 interactor 1; plus strand). Cytogenetic location: 7q22.3.
Variant type: single nucleotide variant.
Coding change: c.1705G>T on transcript NM_021930.6 (MANE Select); coding-DNA position 1705, G replaced by T.
Protein change: p.Val569Leu; replaces valine 569 with leucine.
Molecular consequence: missense variant. On other transcripts: non-coding transcript variant (1).
Genome position (GRCh38, 1-based): chr7:105,563,766, G>T. VCF-style: chr7-105563766-G-T. GRCh37 (hg19) VCF-style: chr7-105204213-G-T.
Other names: c.1471G>T, p.Val491Leu (NM_001346599.2); c.682G>T, p.Val228Leu (NM_001346600.2, NM_001346603.2); c.781G>T, p.Val261Leu (NM_001346601.2); short protein forms V228L, V261L, V491L, V569L.
Identifiers: ClinVar variation 1022788 (VCV001022788.11), dbSNP rs1376227226, ClinGen allele CA368813559.

ClinVar aggregate classification (germline): Uncertain significance. Review status: criteria provided, multiple submitters, no conflicts (2 of 4 stars). 2 submissions from 2 submitters: Uncertain significance (2). Last evaluated 2024-02-22.

Allele frequency attached by ClinVar (database versions not stated): gnomAD exomes below 0.00001; gnomAD 0.00001; TOPMed 0.00003.
gnomAD v4.1: 2 of 1,614,058 alleles (0.00012%); highest among the groups gnomAD compares: Admixed American, 0.0017%; no homozygotes.

Submissions (2):

Ambry Genetics
Classification: Uncertain significance. Last evaluated: 2024-02-22. Review status: criteria provided, single submitter. Criteria: Ambry Variant Classification Scheme 2023. Collection method: clinical testing. Allele origin: germline.
Comment: The p.V569L variant (also known as c.1705G>T), located in coding exon 12 of the RINT1 gene, results from a G to T substitution at nucleotide position 1705. The valine at codon 569 is replaced by leucine, an amino acid with highly similar properties. This amino acid position is conserved. In addition, this alteration is predicted to be tolerated by in silico analysis. Since supporting evidence is limited at this time, the clinical significance of this alteration remains unclear.

Labcorp Genetics (formerly Invitae), Labcorp
Classification: Uncertain significance. Last evaluated: 2020-02-27. Review status: criteria provided, single submitter. Criteria: Invitae Variant Classification Sherloc (09022015). Collection method: clinical testing. Allele origin: germline.
Comment: This sequence change replaces valine with leucine at codon 569 of the RINT1 protein (p.Val569Leu). The valine residue is moderately conserved and there is a small physicochemical difference between valine and leucine. This variant is not present in population databases (ExAC no frequency). This variant has not been reported in the literature in individuals with RINT1-related conditions. Algorithms developed to predict the effect of missense changes on protein structure and function are either unavailable or do not agree on the potential impact of this missense change (SIFT: "Deleterious"; PolyPhen-2: "Benign"; Align-GVGD: "Class C0"). In summary, the available evidence is currently insufficient to determine the role of this variant in disease. Therefore, it has been classified as a Variant of Uncertain Significance.